The following is an entry in ClinVar:

ClinVar aggregate classification (germline): Uncertain significance (1 of 4 stars; one submission).

Submission:

Labcorp Genetics (formerly Invitae), Labcorp
Classification: Uncertain significance. Last evaluated: 2022-09-12. Review status: criteria provided, single submitter. Criteria: Invitae Variant Classification Sherloc (09022015). Collection method: clinical testing. Allele origin: germline.
Comment: This sequence change replaces alanine, which is neutral and non-polar, with proline, which is neutral and non-polar, at codon 679 of the LRP5 protein (p.Ala679Pro). In summary, the available evidence is currently insufficient to determine the role of this variant in disease. Therefore, it has been classified as a Variant of Uncertain Significance. Algorithms developed to predict the effect of missense changes on protein structure and function (SIFT, PolyPhen-2, Align-GVGD) all suggest that this variant is likely to be disruptive. This variant has not been reported in the literature in individuals affected with LRP5-related conditions. This variant is not present in population databases (gnomAD no frequency).

NM_002335.4(LRP5):c.2035G>C (p.Ala679Pro)

Gene: LRP5 (LDL receptor related protein 5; plus strand). Cytogenetic location: 11q13.2.
Variant type: single nucleotide variant.
Coding change: c.2035G>C on transcript NM_002335.4 (MANE Select); coding-DNA position 2035, G replaced by C.
Protein change: p.Ala679Pro; replaces alanine 679 with proline.
Molecular consequence: missense variant.
Genome position (GRCh38, 1-based): chr11:68,406,757, G>C. VCF-style: chr11-68406757-G-C. GRCh37 (hg19) VCF-style: chr11-68174225-G-C.
Other names: c.292G>C, p.Ala98Pro (NM_001291902.2); short protein forms A679P, A98P.
Identifiers: ClinVar variation 1717875 (VCV001717875.5), dbSNP rs2496720227, ClinGen allele CA381615813.